The following is an entry in ClinVar:

NM_002618.4(PEX13):c.1075A>G (p.Thr359Ala)

Gene: PEX13 (peroxisomal biogenesis factor 13; plus strand). Cytogenetic location: 2p15.
Variant type: single nucleotide variant.
Coding change: c.1075A>G on transcript NM_002618.4 (MANE Select); coding-DNA position 1075, A replaced by G.
Protein change: p.Thr359Ala; replaces threonine 359 with alanine.
Molecular consequence: missense variant.
Genome position (GRCh38, 1-based): chr2:61,048,633, A>G. VCF-style: chr2-61048633-A-G. GRCh37 (hg19) VCF-style: chr2-61275768-A-G.
Other names: c.1075A>G (NM_002618.3); short protein forms T359A.
Identifiers: ClinVar variation 1896162 (VCV001896162.4), dbSNP rs369462002, ClinGen allele CA48356061.

ClinVar aggregate classification (germline): Uncertain significance. Review status: criteria provided, multiple submitters, no conflicts (2 of 4 stars). 2 submissions from 2 submitters: Uncertain significance (2). Last evaluated 2023-03-14.

Conditions:
Peroxisome biogenesis disorder 11A (Zellweger). Also called: Peroxisome biogenesis disorder 11A. Identifiers: Orphanet 912, MedGen C3554000, MONDO:0013949, OMIM 614883.
Inborn genetic diseases. Identifiers: MedGen C0950123, MeSH D030342.

gnomAD v4.1: 9 of 1,614,140 alleles (0.00056%); highest among the groups gnomAD compares: Admixed American, 0.0017%; no homozygotes.

Submissions (2):

Ambry Genetics
Classification: Uncertain significance for Inborn genetic diseases. Last evaluated: 2023-03-14. Review status: criteria provided, single submitter. Criteria: Ambry Variant Classification Scheme 2023. Collection method: clinical testing. Allele origin: germline.

Labcorp Genetics (formerly Invitae), Labcorp
Classification: Uncertain significance for Peroxisome biogenesis disorder 11A (Zellweger). Last evaluated: 2022-08-23. Review status: criteria provided, single submitter. Criteria: Invitae Variant Classification Sherloc (09022015). Collection method: clinical testing. Allele origin: germline.
Comment: This sequence change replaces threonine, which is neutral and polar, with alanine, which is neutral and non-polar, at codon 359 of the PEX13 protein (p.Thr359Ala). This variant is present in population databases (rs369462002, gnomAD 0.003%). This variant has not been reported in the literature in individuals affected with PEX13-related conditions. Algorithms developed to predict the effect of missense changes on protein structure and function output the following: SIFT: "Deleterious"; PolyPhen-2: "Benign"; Align-GVGD: "Class C0". The alanine amino acid residue is found in multiple mammalian species, which suggests that this missense change does not adversely affect protein function. Algorithms developed to predict the effect of sequence changes on RNA splicing suggest that this variant may create or strengthen a splice site. In summary, the available evidence is currently insufficient to determine the role of this variant in disease. Therefore, it has been classified as a Variant of Uncertain Significance.